The following is an entry in ClinVar:

NM_004304.5(ALK):c.1154+1G>A

Gene: ALK (ALK receptor tyrosine kinase; minus strand). Cytogenetic location: 2p23.2.
Variant type: single nucleotide variant.
Coding change: c.1154+1G>A on transcript NM_004304.5 (MANE Select); the canonical splice donor site of the intron after coding-DNA position 1154, G replaced by A.
Molecular consequence: splice donor variant.
Genome position (GRCh38, 1-based): chr2:29,531,914, C>T on the plus strand (G>A on the coding strand, the complement: ALK is on the minus strand). VCF-style: chr2-29531914-C-T. GRCh37 (hg19) VCF-style: chr2-29754780-C-T.
Identifiers: ClinVar variation 648078 (VCV000648078.12), dbSNP rs766100418, ClinGen allele CA1594757.

ClinVar aggregate classification (germline): Conflicting classifications of pathogenicity. Review status: criteria provided, conflicting classifications (1 of 4 stars). 4 submissions from 4 submitters: Uncertain significance (3); Likely benign (1). Last evaluated 2025-05-07.

Conditions:
Hereditary cancer-predisposing syndrome. Also called: Hereditary Cancer Syndrome; Tumor predisposition; Neoplastic Syndromes, Hereditary; Hereditary neoplastic syndrome. Identifiers: Orphanet 140162, MedGen C0027672, MeSH D009386, MONDO:0015356.
Neuroblastoma, susceptibility to, 3. Also called: ALK-Related Neuroblastic Tumor Susceptibility. Identifiers: Orphanet 635, MedGen C2751681, MONDO:0013083, OMIM 613014.

Allele frequency attached by ClinVar (database versions not stated): gnomAD exomes below 0.00001; ExAC 0.00001.
gnomAD v4.1: 6 of 1,614,028 alleles (0.00037%); highest among the groups gnomAD compares: Admixed American, 0.0033%; no homozygotes.

Submissions (4):

Ambry Genetics
Classification: Likely benign for Hereditary cancer-predisposing syndrome. Last evaluated: 2025-05-07. Review status: criteria provided, single submitter. Criteria: Ambry Variant Classification Scheme 2023. Collection method: clinical testing. Allele origin: germline.

Labcorp Genetics (formerly Invitae), Labcorp
Classification: Uncertain significance for Neuroblastoma, susceptibility to, 3. Last evaluated: 2025-05-07. Review status: criteria provided, single submitter. Criteria: Invitae Variant Classification Sherloc (09022015). Collection method: clinical testing. Allele origin: germline.
Comment: This sequence change affects a donor splice site in intron 4 of the ALK gene. It is expected to disrupt RNA splicing. Variants that disrupt the donor or acceptor splice site typically lead to a loss of protein function (PMID: 16199547), however the current clinical and genetic evidence is not sufficient to establish whether loss-of-function variants in ALK cause disease. This variant is present in population databases (rs766100418, gnomAD 0.003%). This variant has not been reported in the literature in individuals affected with ALK-related conditions. ClinVar contains an entry for this variant (Variation ID: 648078). Algorithms developed to predict the effect of sequence changes on RNA splicing suggest that this variant may disrupt the consensus splice site. In summary, the available evidence is currently insufficient to determine the role of this variant in disease. Therefore, it has been classified as a Variant of Uncertain Significance.

Fulgent Genetics
Classification: Uncertain significance for Neuroblastoma, susceptibility to, 3. Last evaluated: 2024-03-08. Review status: criteria provided, single submitter. Criteria: ACMG Guidelines, 2015. Collection method: clinical testing. Allele origin: germline.

GeneDx
Classification: Uncertain significance. Last evaluated: 2023-01-18. Review status: criteria provided, single submitter. Criteria: GeneDx Variant Classification Process June 2021. Collection method: clinical testing. Allele origin: germline. Affected: yes.
Comment: Canonical splice site variant in a gene or region of a gene for which loss of function is not a well-established mechanism of disease; Not observed at significant frequency in large population cohorts (gnomAD); Has not been previously published as pathogenic or benign to our knowledge

Literature cited by the submitters: PubMed 16199547 (cited by Labcorp Genetics (formerly Invitae), Labcorp).